The following is an entry in ClinVar:

ClinVar aggregate classification (germline): Likely benign (0 of 4 stars; one submission).

Conditions:
CEP170B-related disorder. Also called: CEP170B-related condition.

Allele frequency attached by ClinVar (database versions not stated): ESP Exome Variant Server 0.00008; TOPMed 0.00021; gnomAD exomes 0.00026; gnomAD 0.00033; ExAC 0.00052; 1000 Genomes Project 30x 0.00141; 1000 Genomes Project 0.00180.
gnomAD v4.1: 436 of 1,611,022 alleles (0.027%); highest among the groups gnomAD compares: East Asian, 0.81%; 3 homozygotes.

Submission:

PreventionGenetics, part of Exact Sciences
Classification: Likely benign for CEP170B-related condition. Last evaluated: 2019-05-23. Review status: no assertion criteria provided. Collection method: clinical testing. Allele origin: germline.
Comment: This variant is classified as likely benign based on ACMG/AMP sequence variant interpretation guidelines (Richards et al. 2015 PMID: 25741868, with internal and published modifications).

NM_001112726.3(CEP170B):c.2604C>T (p.Ser868=)

Gene: CEP170B (centrosomal protein 170B; plus strand). Cytogenetic location: 14q32.33.
Variant type: single nucleotide variant.
Coding change: c.2604C>T on transcript NM_001112726.3 (MANE Select); coding-DNA position 2604, C replaced by T.
Protein change: p.Ser868=; no amino-acid change (serine 868 retained).
Molecular consequence: synonymous variant.
Genome position (GRCh38, 1-based): chr14:104,886,843, C>T. VCF-style: chr14-104886843-C-T. GRCh37 (hg19) VCF-style: chr14-105353180-C-T.
Other names: c.2394C>T, p.Ser798= (NM_015005.3).
Identifiers: ClinVar variation 3038428 (VCV003038428.2), dbSNP rs200838340, ClinGen allele CA7375916.